The following is an entry in ClinVar:

ClinVar aggregate classification (germline): Uncertain significance (1 of 4 stars; one submission).

Conditions:
Brugada syndrome 8 (BRGDA8). Identifiers: Orphanet 130, MedGen C2751083, MONDO:0013148, OMIM 613123.

Submission:

Labcorp Genetics (formerly Invitae), Labcorp
Classification: Uncertain significance for Brugada syndrome 8. Last evaluated: 2024-03-17. Review status: criteria provided, single submitter. Criteria: Invitae Variant Classification Sherloc (09022015). Collection method: clinical testing. Allele origin: germline.
Comment: This sequence change replaces phenylalanine, which is neutral and non-polar, with leucine, which is neutral and non-polar, at codon 613 of the HCN4 protein (p.Phe613Leu). This variant is not present in population databases (gnomAD no frequency). This variant has not been reported in the literature in individuals affected with HCN4-related conditions. Advanced modeling of protein sequence and biophysical properties (such as structural, functional, and spatial information, amino acid conservation, physicochemical variation, residue mobility, and thermodynamic stability) has been performed at Invitae for this missense variant, however the output from this modeling did not meet the statistical confidence thresholds required to predict the impact of this variant on HCN4 protein function. In summary, the available evidence is currently insufficient to determine the role of this variant in disease. Therefore, it has been classified as a Variant of Uncertain Significance.

NM_005477.3(HCN4):c.1837T>C (p.Phe613Leu)

Gene: HCN4 (hyperpolarization activated cyclic nucleotide gated potassium channel 4; minus strand). Cytogenetic location: 15q24.1.
Variant type: single nucleotide variant.
Coding change: c.1837T>C on transcript NM_005477.3 (MANE Select); coding-DNA position 1837, T replaced by C.
Protein change: p.Phe613Leu; replaces phenylalanine 613 with leucine.
Molecular consequence: missense variant.
Genome position (GRCh38, 1-based): chr15:73,325,096, A>G on the plus strand (T>C on the coding strand, the complement: HCN4 is on the minus strand). VCF-style: chr15-73325096-A-G. GRCh37 (hg19) VCF-style: chr15-73617437-A-G.
Other names: short protein forms F613L.
Identifiers: ClinVar variation 3631110 (VCV003631110.2).
Genomic context (GRCh38, chr15:73,325,096, plus strand): 5'-ACATCTTCTTGCCAATGGTGCCTTCCCGGATGATGTAGTCCCCAGGCTGGAAGACCTCGA[A>G]ACGCAGCTTGGTCAGCATGGACGTCACGAAGTTGGGGTCCGCATTGGCAAACAGTGGCAT-3'
Protein context (NP_005468.1, residues 603-623): FVTSMLTKLR[Phe613Leu]EVFQPGDYII